The following is an entry in ClinVar:

NM_080916.3(DGUOK):c.*1C>T

Genes: DGUOK (deoxyguanosine kinase; plus strand), DGUOK-AS1 (DGUOK antisense RNA 1; minus strand). Cytogenetic location: 2p13.1.
Variant type: single nucleotide variant.
Coding change: c.*1C>T on transcript NM_080916.3 (MANE Select); 1 bases downstream of the stop codon, C replaced by T.
Molecular consequence: 3 prime UTR variant. On other transcripts: non-coding transcript variant (6).
Genome position (GRCh38, 1-based): chr2:73,958,737, C>T. VCF-style: chr2-73958737-C-T. GRCh37 (hg19) VCF-style: chr2-74185864-C-T.
Other names: c.*1C>T (NM_001318859.2, NM_001318860.2, NM_001318861.2 and 3 more transcripts).
Identifiers: ClinVar variation 391680 (VCV000391680.1), dbSNP rs1057524187, ClinGen allele CA16604702.

ClinVar aggregate classification (germline): Likely benign (1 of 4 stars; one submission).

Allele frequency attached by ClinVar (database versions not stated): gnomAD 0.00001; gnomAD exomes below 0.00001; TOPMed below 0.00001.
gnomAD v4.1: 4 of 1,611,620 alleles (0.00025%); highest among the groups gnomAD compares: Admixed American, 0.0017%; no homozygotes.

Submission:

GeneDx
Classification: Likely benign. Last evaluated: 2016-12-20. Review status: criteria provided, single submitter. Criteria: GeneDx Variant Classification (06012015). Collection method: clinical testing. Allele origin: germline. Affected: yes.
Comment: This variant is considered likely benign or benign based on one or more of the following criteria: it is a conservative change, it occurs at a poorly conserved position in the protein, it is predicted to be benign by multiple in silico algorithms, and/or has population frequency not consistent with disease.